The following is an entry in ClinVar:

NM_004638.4(PRRC2A):c.5624+9C>T

Gene: PRRC2A (proline rich coiled-coil 2A; plus strand). Cytogenetic location: 6p21.33.
Variant type: single nucleotide variant.
Coding change: c.5624+9C>T on transcript NM_004638.4 (MANE Select); 9 bases into the intron after coding-DNA position 5624, C replaced by T.
Molecular consequence: intron variant.
Genome position (GRCh38, 1-based): chr6:31,636,058, C>T. VCF-style: chr6-31636058-C-T. GRCh37 (hg19) VCF-style: chr6-31603835-C-T.
Other names: c.5624+9C>T (NM_080686.3).
Identifiers: ClinVar variation 3033097 (VCV003033097.2), dbSNP rs114855205, ClinGen allele CA3716585.

ClinVar aggregate classification (germline): Benign (0 of 4 stars; one submission).

Conditions:
PRRC2A-related disorder. Also called: PRRC2A-related condition.

Allele frequency attached by ClinVar (database versions not stated): ExAC 0.00136; ESP Exome Variant Server 0.00354; 1000 Genomes Project 0.00379; 1000 Genomes Project 30x 0.00406.

Submission:

PreventionGenetics, part of Exact Sciences
Classification: Benign for PRRC2A-related condition. Last evaluated: 2019-06-17. Review status: no assertion criteria provided. Collection method: clinical testing. Allele origin: germline.
Comment: This variant is classified as benign based on ACMG/AMP sequence variant interpretation guidelines (Richards et al. 2015 PMID: 25741868, with internal and published modifications).